The following is an entry in ClinVar:

NM_001039591.3(USP9X):c.16C>T (p.Arg6Cys)

Gene: USP9X (ubiquitin specific peptidase 9 X-linked; plus strand). Cytogenetic location: Xp11.4.
Variant type: single nucleotide variant.
Coding change: c.16C>T on transcript NM_001039591.3 (MANE Select); coding-DNA position 16, C replaced by T.
Protein change: p.Arg6Cys; replaces arginine 6 with cysteine.
Molecular consequence: missense variant.
Genome position (GRCh38, 1-based): chrX:41,123,644, C>T. VCF-style: chrX-41123644-C-T. GRCh37 (hg19) VCF-style: chrX-40982897-C-T.
Other names: c.16C>T, p.Arg6Cys (NM_001039590.3, NM_001410748.1, NM_001410749.1); c.16C>T (NM_001039590.2); short protein forms R6C.
Identifiers: ClinVar variation 2580906 (VCV002580906.4), dbSNP rs1466172330, ClinGen allele CA412758446.

ClinVar aggregate classification (germline): Uncertain significance. Review status: criteria provided, multiple submitters, no conflicts (2 of 4 stars). 3 submissions from 3 submitters: Uncertain significance (3). Last evaluated 2025-10-02.

Conditions:
Inborn genetic diseases. Identifiers: MedGen C0950123, MeSH D030342.
Intellectual developmental disorder, X-linked 99. Also called: Intellectual disability, X-linked 99. Identifiers: Orphanet 777, MedGen C3806746, MONDO:0010487, OMIM 300919.

Allele frequency attached by ClinVar (database versions not stated): TOPMed 0.00001.

Submissions (3):

Labcorp Genetics (formerly Invitae), Labcorp
Classification: Uncertain significance. Last evaluated: 2025-10-02. Review status: criteria provided, single submitter. Criteria: Invitae Variant Classification Sherloc (09022015). Collection method: clinical testing. Allele origin: germline.
Comment: This sequence change replaces arginine, which is basic and polar, with cysteine, which is neutral and slightly polar, at codon 6 of the USP9X protein (p.Arg6Cys). This variant is not present in population databases (gnomAD no frequency). This variant has not been reported in the literature in individuals affected with USP9X-related conditions. ClinVar contains an entry for this variant (Variation ID: 2580906). An algorithm developed to predict the effect of missense changes on protein structure and function (PolyPhen-2) suggests that this variant is likely to be disruptive. In summary, the available evidence is currently insufficient to determine the role of this variant in disease. Therefore, it has been classified as a Variant of Uncertain Significance.

Ambry Genetics
Classification: Uncertain significance for Inborn genetic diseases. Last evaluated: 2025-01-21. Review status: criteria provided, single submitter. Criteria: Ambry Variant Classification Scheme 2023. Collection method: clinical testing. Allele origin: germline.

Institute for Medical Genetics and Human Genetics, Charité - Universitätsmedizin Berlin
Classification: Uncertain significance for Intellectual developmental disorder, X-linked 99. Review status: criteria provided, single submitter. Criteria: ACMG Guidelines, 2015. Collection method: not provided. Allele origin: germline. Inheritance: X-linked inheritance. Affected: yes.